The following is an entry in ClinVar:

ClinVar aggregate classification (germline): Uncertain significance (1 of 4 stars; one submission).

Conditions:
Hereditary spastic paraplegia 11. Also called: Spastic paraplegia, mental retardation and thin corpus callosum; Nakamura Osame syndrome; Autosomal recessive hereditary spastic paraplegia, mental impairment, and thin corpus callosum; SPASTIC PARAPLEGIA, AUTOSOMAL RECESSIVE, COMPLICATED, WITH THIN CORPUS CALLOSUM; SPASTIC PARAPLEGIA, AUTOSOMAL RECESSIVE, WITH MENTAL IMPAIRMENT AND THIN CORPUS CALLOSUM; Spastic Paraplegia 11. Identifiers: Orphanet 2822, MedGen C1858479, MONDO:0011445, OMIM 604360.

Submission:

Labcorp Genetics (formerly Invitae), Labcorp
Classification: Uncertain significance for Spastic paraplegia 11, autosomal recessive. Last evaluated: 2019-04-08. Review status: criteria provided, single submitter. Criteria: Invitae Variant Classification Sherloc (09022015). Collection method: clinical testing. Allele origin: germline.
Comment: This variant results in a copy number gain of the genomic region encompassing exons 28-29 of the SPG11 gene. While the exact position of this variant cannot be determined from this data, sub-genic copy number gains are generally in tandem (PMID: 25640679). This variant would be expected to be in-frame, preserving the integrity of the reading frame. This variant has been observed in combination with other SPG11 variants in individuals affected with hereditary spastic paraplegia (PMID: 27071356). In summary, the available evidence is currently insufficient to determine the role of this variant in disease. Therefore, it has been classified as a Variant of Uncertain Significance.

Literature cited by the submitters: PubMed 27071356.

NC_000015.10:g.(?_44585626)_(44589424_?)dup

Gene: SPG11 (SPG11 vesicle trafficking associated, spatacsin; minus strand). Cytogenetic location: 15q21.1.
Variant type: Duplication.
Identifiers: ClinVar variation 833338 (VCV000833338.1).